The following is an entry in ClinVar:

Conditions:
Long QT syndrome 5 (LQT5). Identifiers: Orphanet 101016, Orphanet 768, MedGen C1867904, MONDO:0013372, OMIM 613695.

Submission:

Roden Lab, Vanderbilt University Medical Center
No classification provided (evidence only). Condition: Long QT syndrome 5. Review status: no classification provided. Collection method: in vitro. Allele origin: not applicable. Functional consequence: Effect on ion channel function.
ClinVar note: "not provided" was previously submitted as the classification for the variant. However, the classification appeared to be based only on an observation of functional data so it was converted to no classification on 2025-07-30.

NM_000219.6(KCNE1):c.156A>C (p.Gly52=)

Gene: KCNE1 (potassium voltage-gated channel subfamily E regulatory subunit 1; minus strand). Cytogenetic location: 21q22.12.
Variant type: single nucleotide variant.
Coding change: c.156A>C on transcript NM_000219.6 (MANE Select); coding-DNA position 156, A replaced by C.
Protein change: p.Gly52=; no amino-acid change (glycine 52 retained).
Molecular consequence: synonymous variant.
Genome position (GRCh38, 1-based): chr21:34,449,479, T>G on the plus strand (A>C on the coding strand, the complement: KCNE1 is on the minus strand). VCF-style: chr21-34449479-T-G. GRCh37 (hg19) VCF-style: chr21-35821777-T-G.
Other names: c.156A>C, p.Gly52= (NM_001127668.4, NM_001127669.4, NM_001127670.4 and 4 more transcripts).
Identifiers: ClinVar variation 3374193 (VCV003374193.2).